The following is an entry in ClinVar:

NM_203447.4(DOCK8):c.265G>A (p.Asp89Asn)

Genes: DOCK8 (dedicator of cytokinesis 8; plus strand), LOC126860552 (BRD4-independent group 4 enhancer GRCh37_chr9:285795-286994; plus strand). Cytogenetic location: 9p24.3.
Variant type: single nucleotide variant.
Coding change: c.265G>A on transcript NM_203447.4 (MANE Select); coding-DNA position 265, G replaced by A.
Protein change: p.Asp89Asn; replaces aspartic acid 89 with asparagine.
Molecular consequence: missense variant.
Genome position (GRCh38, 1-based): chr9:286,569, G>A. VCF-style: chr9-286569-G-A. GRCh37 (hg19) VCF-style: chr9-286569-G-A.
Other names: c.61G>A, p.Asp21Asn (NM_001190458.2, NM_001193536.2); short protein forms D21N, D89N.
Identifiers: ClinVar variation 1025784 (VCV001025784.9), dbSNP rs2048832030, ClinGen allele CA372756264.

ClinVar aggregate classification (germline): Uncertain significance (1 of 4 stars; one submission).

Conditions:
Combined immunodeficiency due to DOCK8 deficiency (HIES2). Also called: Hyper-IgE recurrent infection syndrome, autosomal recessive; DOCK8 Deficiency; HYPER-IgE RECURRENT INFECTION SYNDROME 2, AUTOSOMAL RECESSIVE; HYPER-IgE SYNDROME 2, AUTOSOMAL RECESSIVE, WITH RECURRENT INFECTIONS; HIES autosomal recessive. Identifiers: Orphanet 217390, MedGen C4722305, MONDO:0009478, OMIM 243700.

Submission:

Labcorp Genetics (formerly Invitae), Labcorp
Classification: Uncertain significance for Combined immunodeficiency due to DOCK8 deficiency. Last evaluated: 2020-06-16. Review status: criteria provided, single submitter. Criteria: Invitae Variant Classification Sherloc (09022015). Collection method: clinical testing. Allele origin: germline.
Comment: This sequence change replaces aspartic acid with asparagine at codon 89 of the DOCK8 protein (p.Asp89Asn). The aspartic acid residue is highly conserved and there is a small physicochemical difference between aspartic acid and asparagine. This variant is not present in population databases (ExAC no frequency). This variant has not been reported in the literature in individuals with DOCK8-related conditions. Algorithms developed to predict the effect of missense changes on protein structure and function are either unavailable or do not agree on the potential impact of this missense change (SIFT: "Tolerated"; PolyPhen-2: "Probably Damaging"; Align-GVGD: "Class C0"). In summary, the available evidence is currently insufficient to determine the role of this variant in disease. Therefore, it has been classified as a Variant of Uncertain Significance.